The following is an entry in ClinVar:

NM_001429.4(EP300):c.5602A>T (p.Thr1868Ser)

Gene: EP300 (EP300 lysine acetyltransferase; plus strand). Cytogenetic location: 22q13.2.
Variant type: single nucleotide variant.
Coding change: c.5602A>T on transcript NM_001429.4 (MANE Select); coding-DNA position 5602, A replaced by T.
Protein change: p.Thr1868Ser; replaces threonine 1868 with serine.
Molecular consequence: missense variant.
Genome position (GRCh38, 1-based): chr22:41,177,313, A>T. VCF-style: chr22-41177313-A-T. GRCh37 (hg19) VCF-style: chr22-41573317-A-T.
Other names: c.5524A>T, p.Thr1842Ser (NM_001362843.2); short protein forms T1868S, T1842S.
Identifiers: ClinVar variation 2728002 (VCV002728002.3), dbSNP rs755349993, ClinGen allele CA10253664.

ClinVar aggregate classification (germline): Uncertain significance (1 of 4 stars; one submission).

Conditions:
Rubinstein-Taybi syndrome due to EP300 haploinsufficiency. Also called: RUBINSTEIN-TAYBI SYNDROME 2; EP300-Related Rubinstein-Taybi Syndrome. Identifiers: Orphanet 353284, Orphanet 783, MedGen C3150941, MONDO:0013364, OMIM 613684.

Allele frequency attached by ClinVar (database versions not stated): gnomAD 0.00001; TOPMed 0.00002; ExAC 0.00003; gnomAD exomes 0.00003.

Submission:

Labcorp Genetics (formerly Invitae), Labcorp
Classification: Uncertain significance for Rubinstein-Taybi syndrome due to EP300 haploinsufficiency. Last evaluated: 2023-12-07. Review status: criteria provided, single submitter. Criteria: Invitae Variant Classification Sherloc (09022015). Collection method: clinical testing. Allele origin: germline.
Comment: This sequence change replaces threonine, which is neutral and polar, with serine, which is neutral and polar, at codon 1868 of the EP300 protein (p.Thr1868Ser). This variant is present in population databases (rs755349993, gnomAD 0.004%). This variant has not been reported in the literature in individuals affected with EP300-related conditions. Advanced modeling of protein sequence and biophysical properties (such as structural, functional, and spatial information, amino acid conservation, physicochemical variation, residue mobility, and thermodynamic stability) performed at Invitae indicates that this missense variant is not expected to disrupt EP300 protein function with a negative predictive value of 80%. In summary, the available evidence is currently insufficient to determine the role of this variant in disease. Therefore, it has been classified as a Variant of Uncertain Significance.